The following is an entry in ClinVar:

ClinVar aggregate classification (germline): Uncertain significance (1 of 4 stars; one submission).

Submission:

Labcorp Genetics (formerly Invitae), Labcorp
Classification: Uncertain significance. Last evaluated: 2025-03-27. Review status: criteria provided, single submitter. Criteria: Invitae Variant Classification Sherloc (09022015). Collection method: clinical testing. Allele origin: germline.
Comment: This sequence change replaces histidine, which is basic and polar, with aspartic acid, which is acidic and polar, at codon 433 of the GCGR protein (p.His433Asp). This variant is not present in population databases (gnomAD no frequency). This variant has not been reported in the literature in individuals affected with GCGR-related conditions. An algorithm developed to predict the effect of missense changes on protein structure and function (PolyPhen-2) suggests that this variant is likely to be tolerated. In summary, the available evidence is currently insufficient to determine the role of this variant in disease. Therefore, it has been classified as a Variant of Uncertain Significance.

NM_000160.5(GCGR):c.1297C>G (p.His433Asp)

Gene: GCGR (glucagon receptor; plus strand). Cytogenetic location: 17q25.3.
Variant type: single nucleotide variant.
Coding change: c.1297C>G on transcript NM_000160.5 (MANE Select); coding-DNA position 1297, C replaced by G.
Protein change: p.His433Asp; replaces histidine 433 with aspartic acid.
Molecular consequence: missense variant.
Genome position (GRCh38, 1-based): chr17:81,813,552, C>G. VCF-style: chr17-81813552-C-G. GRCh37 (hg19) VCF-style: chr17-79771428-C-G.
Other names: short protein forms H433D.
Identifiers: ClinVar variation 3718706 (VCV003718706.2).
Genomic context (GRCh38, chr17:81,813,552, plus strand): 5'-CGGCGTTGGCACCGCTGGCGCCTGGGCAAAGTGCTATGGGAGGAGCGGAACACCAGCAAC[C>G]ACAGGGCCTCATCTTCGCCCGGCCACGGCCCTCCCAGCAAGGAGCTGCAGTTTGGGAGGG-3'
Protein context (NP_000151.1, residues 423-443): VLWEERNTSN[His433Asp]RASSSPGHGP